The following is an entry in ClinVar:

NM_016249.4(MAGEC2):c.468C>T (p.Tyr156=)

Gene: MAGEC2 (MAGE family member C2; minus strand). Cytogenetic location: Xq27.2.
Variant type: single nucleotide variant.
Coding change: c.468C>T on transcript NM_016249.4 (MANE Select); coding-DNA position 468, C replaced by T.
Protein change: p.Tyr156=; no amino-acid change (tyrosine 156 retained).
Molecular consequence: synonymous variant.
Genome position (GRCh38, 1-based): chrX:142,203,520, G>A on the plus strand (C>T on the coding strand, the complement: MAGEC2 is on the minus strand). VCF-style: chrX-142203520-G-A. GRCh37 (hg19) VCF-style: chrX-141291306-G-A.
Identifiers: ClinVar variation 2661575 (VCV002661575.24), dbSNP rs756866938, ClinGen allele CA10534188.

ClinVar aggregate classification (germline): Likely benign (1 of 4 stars; one submission).

Allele frequency attached by ClinVar (database versions not stated): TOPMed 0.00002; gnomAD 0.00006; ExAC 0.00019; gnomAD exomes 0.00019; 1000 Genomes Project 30x 0.00021; 1000 Genomes Project 0.00026.

Submission:

CeGaT Center for Human Genetics Tuebingen
Classification: Likely benign. Last evaluated: 2022-09-01. Review status: criteria provided, single submitter. Criteria: CeGaT Center For Human Genetics Tuebingen Variant Classification Criteria Version 2. Collection method: clinical testing. Allele origin: germline. Affected: yes. Observed: 1 variant allele.
Comment: MAGEC2: BP4, BP7